The following is an entry in ClinVar:

NM_000069.3(CACNA1S):c.4731C>G (p.Asp1577Glu)

Gene: CACNA1S (calcium voltage-gated channel subunit alpha1 S; minus strand). Cytogenetic location: 1q32.1.
Variant type: single nucleotide variant.
Coding change: c.4731C>G on transcript NM_000069.3 (MANE Select); coding-DNA position 4731, C replaced by G.
Protein change: p.Asp1577Glu; replaces aspartic acid 1577 with glutamic acid.
Molecular consequence: missense variant.
Genome position (GRCh38, 1-based): chr1:201,044,394, G>C on the plus strand (C>G on the coding strand, the complement: CACNA1S is on the minus strand). VCF-style: chr1-201044394-G-C. GRCh37 (hg19) VCF-style: chr1-201013522-G-C.
Other names: short protein forms D1577E.
Identifiers: ClinVar variation 643903 (VCV000643903.12), dbSNP rs202120583, ClinGen allele CA083561.
Genomic context (GRCh38, chr1:201,044,394, plus strand): 5'-TATTCCCTCCTCCATCGCAGCCTCCACCATGGCTCTCTCCAGCTCCTCCTCAGCAGCCAG[G>C]TCTCCTGAGACCGTGCGACAGATCTCGGGGGCTGCCTCTTCCTCAATGGTCCGCAGCCCT-3'
Protein context (NP_000060.2, residues 1567-1587): APEICRTVSG[Asp1577Glu]LAAEEELERA

ClinVar aggregate classification (germline): Conflicting classifications of pathogenicity. Review status: criteria provided, conflicting classifications (1 of 4 stars). 3 submissions from 3 submitters: Uncertain significance (2); Likely benign (1). Last evaluated 2025-12-15.

Conditions:
Malignant hyperthermia, susceptibility to, 5 (MHS5). Also called: CACNA1S-Related Malignant Hyperthermia Susceptibility. Identifiers: Orphanet 423, MedGen C1866077, MONDO:0011163, OMIM 601887.
Hypokalemic periodic paralysis, type 1. Also called: Hypokalemic Periodic Paralysis Type 1 (AD); HypoPP. Identifiers: Orphanet 681, MedGen C3714580, MONDO:0042979, OMIM 170400.
Congenital myopathy 18. Also called: Myopathy, congenital, due to dihydropyridine receptor defect; DIHYDROPYRIDINE RECEPTOR CONGENITAL MYOPATHY; DHPR CONGENITAL MYOPATHY. Identifiers: MedGen C5830283, MONDO:0859514, OMIM 620246.
Thyrotoxic periodic paralysis, susceptibility to, 1 (TTPP1). Identifiers: Orphanet 79102, MedGen C2749982, MONDO:0008570, OMIM 188580.

Allele frequency attached by ClinVar (database versions not stated): gnomAD 0.00006 and 0.00007; gnomAD exomes 0.00006; TOPMed 0.00006; ExAC 0.00007; ESP Exome Variant Server 0.00008.
gnomAD v4.1: 86 of 1,613,506 alleles (0.0053%); highest among the groups gnomAD compares: Non-Finnish European, 0.0039%; no homozygotes.

Submissions (3):

Labcorp Genetics (formerly Invitae), Labcorp
Classification: Likely benign for Hypokalemic periodic paralysis, type 1; Malignant hyperthermia, susceptibility to, 5. Last evaluated: 2025-12-15. Review status: criteria provided, single submitter. Criteria: Invitae Variant Classification Sherloc (09022015). Collection method: clinical testing. Allele origin: germline.

Color Diagnostics, LLC DBA Color Health
Classification: Uncertain significance for Malignant hyperthermia, susceptibility to, 5. Last evaluated: 2024-07-24. Review status: criteria provided, single submitter. Criteria: ACMG Guidelines, 2015. Collection method: clinical testing. Allele origin: germline.
Comment: This missense variant replaces aspartic acid with glutamic acid at codon 1577 of the CACNA1S protein. Computational prediction is inconclusive regarding the impact of this variant on protein structure and function. To our knowledge, functional studies have not been reported for this variant. This variant has not been reported in individuals affected with CACNA1S-related disorders in the literature. This variant has been identified in 18/282482 chromosomes in the general population by the Genome Aggregation Database (gnomAD). The available evidence is insufficient to determine the role of this variant in disease conclusively. Therefore, this variant is classified as a Variant of Uncertain Significance.

Fulgent Genetics
Classification: Uncertain significance for Hypokalemic periodic paralysis, type 1; Thyrotoxic periodic paralysis, susceptibility to, 1; Malignant hyperthermia, susceptibility to, 5; Congenital myopathy 18. Last evaluated: 2024-01-05. Review status: criteria provided, single submitter. Criteria: ACMG Guidelines, 2015. Collection method: clinical testing. Allele origin: germline.